The following is an entry in ClinVar:

NM_182914.3(SYNE2):c.3664C>T (p.Arg1222Trp)

Gene: SYNE2 (spectrin repeat containing nuclear envelope protein 2; plus strand). Cytogenetic location: 14q23.2.
Variant type: single nucleotide variant.
Coding change: c.3664C>T on transcript NM_182914.3 (MANE Select); coding-DNA position 3664, C replaced by T.
Protein change: p.Arg1222Trp; replaces arginine 1222 with tryptophan.
Molecular consequence: missense variant.
Genome position (GRCh38, 1-based): chr14:64,001,959, C>T. VCF-style: chr14-64001959-C-T. GRCh37 (hg19) VCF-style: chr14-64468677-C-T.
Other names: c.3664C>T, p.Arg1222Trp (NM_015180.6); short protein forms R1222W.
Identifiers: ClinVar variation 880975 (VCV000880975.14), dbSNP rs773994020, ClinGen allele CA7220031.
Genomic context (GRCh38, chr14:64,001,959, plus strand): 5'-GTTTTCCCCTCATGTCTGATTTACCTTGCACCCAGAATGGAATCTTTAGAGACAGCACTG[C>T]GGCTTGTGTTACCTGTAGAGAAGGCATCACTTCTTCTCTGTGGCTCGGACCTGCCTCTCC-3'
Protein context (NP_878918.2, residues 1212-1232): TRMESLETAL[Arg1222Trp]LVLPVEKASL

ClinVar aggregate classification (germline): Conflicting classifications of pathogenicity. Review status: criteria provided, conflicting classifications (1 of 4 stars). 3 submissions from 3 submitters: Uncertain significance (2); Likely benign (1). Last evaluated 2025-04-22.

Conditions:
Emery-Dreifuss muscular dystrophy 5, autosomal dominant (EDMD5). Also called: EMERY-DREIFUSS MUSCULAR DYSTROPHY 5. Identifiers: Orphanet 261, MedGen C2751805, MONDO:0013072, OMIM 612999.

Allele frequency attached by ClinVar (database versions not stated): TOPMed 0.00004; gnomAD exomes 0.00006; ExAC 0.00007; gnomAD 0.00007 and 0.00008.
gnomAD v4.1: 61 of 1,613,948 alleles (0.0038%); highest among the groups gnomAD compares: Admixed American, 0.032%; no homozygotes.

Submissions (3):

Labcorp Genetics (formerly Invitae), Labcorp
Classification: Uncertain significance for Emery-Dreifuss muscular dystrophy 5, autosomal dominant. Last evaluated: 2025-04-22. Review status: criteria provided, single submitter. Criteria: Invitae Variant Classification Sherloc (09022015). Collection method: clinical testing. Allele origin: germline.
Comment: This sequence change replaces arginine, which is basic and polar, with tryptophan, which is neutral and slightly polar, at codon 1222 of the SYNE2 protein (p.Arg1222Trp). This variant is present in population databases (rs773994020, gnomAD 0.02%). This missense change has been observed in individual(s) with congenital myopathy (PMID: 25214167). ClinVar contains an entry for this variant (Variation ID: 880975). An algorithm developed to predict the effect of missense changes on protein structure and function (PolyPhen-2) suggests that this variant is likely to be tolerated. In summary, the available evidence is currently insufficient to determine the role of this variant in disease. Therefore, it has been classified as a Variant of Uncertain Significance.

Revvity Omics, Revvity
Classification: Uncertain significance for Emery-Dreifuss muscular dystrophy 5, autosomal dominant. Last evaluated: 2019-10-08. Review status: criteria provided, single submitter. Criteria: ACMG Guidelines, 2015. Collection method: clinical testing. Allele origin: germline.

Illumina Laboratory Services, Illumina
Classification: Likely benign for Emery-Dreifuss muscular dystrophy 5, autosomal dominant. Last evaluated: 2017-04-28. Review status: criteria provided, single submitter. Criteria: ICSL Variant Classification Criteria 13 December 2019. Collection method: clinical testing. Allele origin: germline.
Comment: This variant was observed as part of a predisposition screen in an ostensibly healthy population. A literature search was performed for the gene, cDNA change, and amino acid change (where applicable). Publications were found based on this search. The evidence from the literature, in combination with allele frequency data from public databases where available, was sufficient to determine this variant is unlikely to cause disease. Therefore, this variant is classified as likely benign.

Literature cited by the submitters: PubMed 25214167 (cited by Labcorp Genetics (formerly Invitae), Labcorp and Illumina Laboratory Services, Illumina).